The following is an entry in ClinVar:

NM_002292.4(LAMB2):c.491G>A (p.Arg164His)

Gene: LAMB2 (laminin subunit beta 2; minus strand). Cytogenetic location: 3p21.31.
Variant type: single nucleotide variant.
Coding change: c.491G>A on transcript NM_002292.4 (MANE Select); coding-DNA position 491, G replaced by A.
Protein change: p.Arg164His; replaces arginine 164 with histidine.
Molecular consequence: missense variant.
Genome position (GRCh38, 1-based): chr3:49,131,692, C>T on the plus strand (G>A on the coding strand, the complement: LAMB2 is on the minus strand). VCF-style: chr3-49131692-C-T. GRCh37 (hg19) VCF-style: chr3-49169125-C-T.
Other names: c.491G>A (NM_002292.3); short protein forms R164H.
Identifiers: ClinVar variation 1438669 (VCV001438669.9), dbSNP rs1187799924, ClinGen allele CA352751038.
Genomic context (GRCh38, chr3:49,131,692, plus strand): 5'-GCCCCACAGTCATAGGAGAAATATCGGTACACATGCCAGGTGCGGCCAAAGTCTGCTGAG[C>T]GTTCCACCAGCATGGCAGCAGGGCGAAATGTCTGGGTAGGGGGGCATAGCTGATCAGCAG-3'
Protein context (NP_002283.3, residues 154-174): TFRPAAMLVE[Arg164His]SADFGRTWHV

ClinVar aggregate classification (germline): Uncertain significance. Review status: criteria provided, multiple submitters, no conflicts (2 of 4 stars). 2 submissions from 2 submitters: Uncertain significance (2). Last evaluated 2025-08-12.

Conditions:
Inborn genetic diseases. Identifiers: MedGen C0950123, MeSH D030342.
Pierson syndrome. Also called: MICROCORIA-CONGENITAL NEPHROTIC SYNDROME. Identifiers: Orphanet 2670, MedGen C1836876, MONDO:0012184, OMIM 609049.
LAMB2-related infantile-onset nephrotic syndrome. Also called: NEPHROTIC SYNDROME, TYPE 5, WITHOUT OCULAR ABNORMALITIES; NEPHROTIC SYNDROME, TYPE 5, WITH OCULAR ABNORMALITIES; Nephrotic Syndrome, type 5. Identifiers: Orphanet 306507, MedGen C3280113, MONDO:0013621, OMIM 614199.

Allele frequency attached by ClinVar (database versions not stated): gnomAD exomes below 0.00001 and 0.00001; gnomAD 0.00001; TOPMed 0.00001.
gnomAD v4.1: 10 of 1,613,324 alleles (0.00062%); highest among the groups gnomAD compares: African/African-American, 0.0013%; no homozygotes.

Submissions (2):

Ambry Genetics
Classification: Uncertain significance for Inborn genetic diseases. Last evaluated: 2025-08-12. Review status: criteria provided, single submitter. Criteria: Ambry Variant Classification Scheme 2023. Collection method: clinical testing. Allele origin: germline.

Labcorp Genetics (formerly Invitae), Labcorp
Classification: Uncertain significance for LAMB2-related infantile-onset nephrotic syndrome; Pierson syndrome. Last evaluated: 2021-06-18. Review status: criteria provided, single submitter. Criteria: Invitae Variant Classification Sherloc (09022015). Collection method: clinical testing. Allele origin: germline.
Comment: In summary, the available evidence is currently insufficient to determine the role of this variant in disease. Therefore, it has been classified as a Variant of Uncertain Significance. Algorithms developed to predict the effect of missense changes on protein structure and function (SIFT, PolyPhen-2, Align-GVGD) all suggest that this variant is likely to be disruptive, but these predictions have not been confirmed by published functional studies and their clinical significance is uncertain. This variant has not been reported in the literature in individuals with LAMB2-related conditions. This variant is not present in population databases (ExAC no frequency). This sequence change replaces arginine with histidine at codon 164 of the LAMB2 protein (p.Arg164His). The arginine residue is highly conserved and there is a small physicochemical difference between arginine and histidine.